The following is an entry in ClinVar:

ClinVar aggregate classification (germline): Uncertain significance (1 of 4 stars; one submission).

Allele frequency attached by ClinVar (database versions not stated): gnomAD exomes below 0.00001; ExAC 0.00001.
gnomAD v4.1: 2 of 1,614,146 alleles (0.00012%); highest among the groups gnomAD compares: Non-Finnish European, 0.00017%; no homozygotes.

Submission:

Labcorp Genetics (formerly Invitae), Labcorp
Classification: Uncertain significance. Last evaluated: 2023-08-31. Review status: criteria provided, single submitter. Criteria: Invitae Variant Classification Sherloc (09022015). Collection method: clinical testing. Allele origin: germline.
Comment: In summary, the available evidence is currently insufficient to determine the role of this variant in disease. Therefore, it has been classified as a Variant of Uncertain Significance. An algorithm developed to predict the effect of missense changes on protein structure and function (PolyPhen-2) suggests that this variant is likely to be disruptive. This variant has not been reported in the literature in individuals affected with HIVEP2-related conditions. This variant is present in population databases (rs751324989, gnomAD 0.0009%). This sequence change replaces arginine, which is basic and polar, with glycine, which is neutral and non-polar, at codon 2147 of the HIVEP2 protein (p.Arg2147Gly).

NM_006734.4(HIVEP2):c.6439A>G (p.Arg2147Gly)

Gene: HIVEP2 (HIVEP zinc finger 2; minus strand). Cytogenetic location: 6q24.2.
Variant type: single nucleotide variant.
Coding change: c.6439A>G on transcript NM_006734.4 (MANE Select); coding-DNA position 6439, A replaced by G.
Protein change: p.Arg2147Gly; replaces arginine 2147 with glycine.
Molecular consequence: missense variant.
Genome position (GRCh38, 1-based): chr6:142,759,849, T>C on the plus strand (A>G on the coding strand, the complement: HIVEP2 is on the minus strand). VCF-style: chr6-142759849-T-C. GRCh37 (hg19) VCF-style: chr6-143080986-T-C.
Other names: short protein forms R2147G.
Identifiers: ClinVar variation 2753635 (VCV002753635.3), dbSNP rs751324989, ClinGen allele CA4027694.